The following is an entry in ClinVar:

ClinVar aggregate classification (germline): Uncertain significance (1 of 4 stars; one submission).

Conditions:
Hereditary cancer-predisposing syndrome. Also called: Neoplastic Syndromes, Hereditary; Tumor predisposition; Hereditary Cancer Syndrome; Hereditary neoplastic syndrome. Identifiers: Orphanet 140162, MedGen C0027672, MeSH D009386, MONDO:0015356.

Submission:

Ambry Genetics
Classification: Uncertain significance for Hereditary cancer-predisposing syndrome. Last evaluated: 2026-01-02. Review status: criteria provided, single submitter. Criteria: Ambry Variant Classification Scheme 2023. Collection method: clinical testing. Allele origin: germline.
Comment: The p.D367G variant (also known as c.1100A>G), located in coding exon 8 of the CDH1 gene, results from an A to G substitution at nucleotide position 1100. The aspartic acid at codon 367 is replaced by glycine, an amino acid with similar properties. This amino acid position is highly conserved in available vertebrate species. In addition, this alteration is predicted to be deleterious by in silico analysis. Based on the available evidence, the clinical significance of this variant remains unclear.

NM_004360.5(CDH1):c.1100A>G (p.Asp367Gly)

Gene: CDH1 (cadherin 1; plus strand). Cytogenetic location: 16q22.1.
Variant type: single nucleotide variant.
Coding change: c.1100A>G on transcript NM_004360.5 (MANE Select); coding-DNA position 1100, A replaced by G.
Protein change: p.Asp367Gly; replaces aspartic acid 367 with glycine.
Molecular consequence: missense variant. On other transcripts: 5 prime UTR variant (2).
Genome position (GRCh38, 1-based): chr16:68,812,226, A>G. VCF-style: chr16-68812226-A-G. GRCh37 (hg19) VCF-style: chr16-68846129-A-G.
Other names: c.1100A>G, p.Asp367Gly (NM_001317184.2); c.-516A>G (NM_001317185.2); c.-720A>G (NM_001317186.2); short protein forms D367G.
Identifiers: ClinVar variation 4843742 (VCV004843742.1).